The following is an entry in ClinVar:

NM_030653.4(DDX11):c.2223C>G (p.Ser741Arg)

Gene: DDX11 (DEAD/H-box helicase 11; plus strand). Cytogenetic location: 12p11.21.
Variant type: single nucleotide variant.
Coding change: c.2223C>G on transcript NM_030653.4 (MANE Select); coding-DNA position 2223, C replaced by G.
Protein change: p.Ser741Arg; replaces serine 741 with arginine.
Molecular consequence: missense variant.
Genome position (GRCh38, 1-based): chr12:31,102,263, C>G. VCF-style: chr12-31102263-C-G. GRCh37 (hg19) VCF-style: chr12-31255197-C-G.
Other names: c.2223C>G, p.Ser741Arg (NM_001257144.2, NM_152438.2); c.2145C>G, p.Ser715Arg (NM_001257145.2); c.2073C>G, p.Ser691Arg (NM_004399.3); short protein forms S741R, S691R, S715R.
Identifiers: ClinVar variation 235586 (VCV000235586.8), dbSNP rs151210946, ClinGen allele CA6501697.
Genomic context (GRCh38, chr12:31,102,263, plus strand): 5'-CCTGAACCTGTCTCTGGGAAATGTCCTCTGTCTTTCTCAGATATTCCAGGAACCTAAGAG[C>G]GCACACCAGGTGGAGCAGGTGCTGCTGGCATATTCCAGGTGCATCCAGGTGCGGGCGTCA-3'
Protein context (NP_085911.2, residues 731-751): ARKKIFQEPK[Ser741Arg]AHQVEQVLLA

ClinVar aggregate classification (germline): Benign/Likely benign. Review status: criteria provided, multiple submitters, no conflicts (2 of 4 stars). 3 submissions from 3 submitters: Benign (1); Likely benign (2). Last evaluated 2026-01-31.

Allele frequency attached by ClinVar (database versions not stated): ESP Exome Variant Server 0.01399; 1000 Genomes Project 0.01138; TOPMed 0.01419; 1000 Genomes Project 30x 0.01171.
gnomAD v4.1: 3,720 of 1,613,970 alleles (0.23%); highest among the groups gnomAD compares: African/African-American, 4.4%; 71 homozygotes.

Submissions (3):

Labcorp Genetics (formerly Invitae), Labcorp
Classification: Benign. Last evaluated: 2026-01-31. Review status: criteria provided, single submitter. Criteria: Invitae Variant Classification Sherloc (09022015). Collection method: clinical testing. Allele origin: germline.

Center for Pediatric Genomic Medicine, Children's Mercy Hospital and Clinics
Classification: Likely benign. Last evaluated: 2016-02-11. Review status: criteria provided, single submitter. Criteria: ACMG Guidelines, 2015. Collection method: clinical testing. Allele origin: germline.
ClinVar note: Converted during submission from Likely Benign to Likely benign.

Breakthrough Genomics
Classification: Likely benign. Review status: criteria provided, single submitter. Criteria: ACMG Guidelines, 2015. Collection method: not provided. Allele origin: germline. Inheritance: Autosomal recessive inheritance. Affected: yes.